The following is an entry in ClinVar:

ClinVar aggregate classification (germline): Uncertain significance (1 of 4 stars; one submission).

Conditions:
Multiple endocrine neoplasia, type 1 (MEN1). Also called: MEN I; WERMER SYNDROME; Endocrine adenomatosis multiple; MEN 1; MEA I. Identifiers: Orphanet 652, MedGen C0025267, MeSH D018761, MONDO:0007540, OMIM 131100.

Submission:

Labcorp Genetics (formerly Invitae), Labcorp
Classification: Uncertain significance for Multiple endocrine neoplasia, type 1. Last evaluated: 2017-11-12. Review status: criteria provided, single submitter. Criteria: Invitae Variant Classification Sherloc (09022015). Collection method: clinical testing. Allele origin: germline.
Comment: In summary, the available evidence is currently insufficient to determine the role of this variant in disease. Therefore, it has been classified as a Variant of Uncertain Significance. Algorithms developed to predict the effect of missense changes on protein structure and function (SIFT, PolyPhen-2, Align-GVGD) all suggest that this variant is likely to be tolerated, but these predictions have not been confirmed by published functional studies and their clinical significance is uncertain. This variant has not been reported in the literature in individuals with MEN1-related disease. This variant is not present in population databases (ExAC no frequency). This sequence change replaces threonine with proline at codon 62 of the MEN1 protein (p.Thr62Pro). The threonine residue is moderately conserved and there is a small physicochemical difference between threonine and proline.

NM_001370259.2(MEN1):c.184A>C (p.Thr62Pro)

Gene: MEN1 (menin 1; minus strand). Cytogenetic location: 11q13.1.
Variant type: single nucleotide variant.
Coding change: c.184A>C on transcript NM_001370259.2 (MANE Select); coding-DNA position 184, A replaced by C.
Protein change: p.Thr62Pro; replaces threonine 62 with proline.
Molecular consequence: missense variant.
Genome position (GRCh38, 1-based): chr11:64,809,926, T>G on the plus strand (A>C on the coding strand, the complement: MEN1 is on the minus strand). VCF-style: chr11-64809926-T-G. GRCh37 (hg19) VCF-style: chr11-64577398-T-G.
Other names: c.184A>C, p.Thr62Pro (NM_000244.4, NM_001370251.2, NM_001370260.2 and 9 more transcripts); short protein forms T62P.
Identifiers: ClinVar variation 527287 (VCV000527287.8), dbSNP rs1555166619, ClinGen allele CA381187694.